The following is an entry in ClinVar:

NM_018026.4(PACS1):c.1838+3A>G

Gene: PACS1 (phosphofurin acidic cluster sorting protein 1; plus strand). Cytogenetic location: 11q13.2.
Variant type: single nucleotide variant.
Coding change: c.1838+3A>G on transcript NM_018026.4 (MANE Select); 3 bases into the intron after coding-DNA position 1838, A replaced by G.
Molecular consequence: intron variant.
Genome position (GRCh38, 1-based): chr11:66,233,069, A>G. VCF-style: chr11-66233069-A-G. GRCh37 (hg19) VCF-style: chr11-66000540-A-G.
Identifiers: ClinVar variation 1191641 (VCV001191641.12), dbSNP rs775980710, ClinGen allele CA6116683.
Genomic context (GRCh38, chr11:66,233,069, plus strand): 5'-GCTCCACCGTGGAGGTCCAGGCCGTGCTGTCCGCCCTGCTCACCCGGATCCAGCGCTAGT[A>G]AGGGCTCTGGCCTCCCTTCTCCTGCCCTTAGAGATTCCCTCTGACCTCATCTTCCAACCC-3'

ClinVar aggregate classification (germline): Conflicting classifications of pathogenicity. Review status: criteria provided, conflicting classifications (1 of 4 stars). 3 submissions from 3 submitters: Uncertain significance (2); Benign (1). Last evaluated 2024-03-04.

Conditions:
Schuurs-Hoeijmakers syndrome. Also called: PACS1-Related Neurodevelopmental Disorder. Identifiers: Orphanet 329224, MedGen C3554343, MONDO:0014006, OMIM 615009.

Allele frequency attached by ClinVar (database versions not stated): ExAC 0.00001; gnomAD exomes 0.00001; gnomAD 0.00002.
gnomAD v4.1: 11 of 1,601,662 alleles (0.00069%); highest among the groups gnomAD compares: Non-Finnish European, 0.00094%; no homozygotes.

Submissions (3):

Labcorp Genetics (formerly Invitae), Labcorp
Classification: Benign for Schuurs-Hoeijmakers syndrome. Last evaluated: 2024-03-04. Review status: criteria provided, single submitter. Criteria: Invitae Variant Classification Sherloc (09022015). Collection method: clinical testing. Allele origin: germline.

Blueprint Genetics
Classification: Uncertain significance. Last evaluated: 2021-11-29. Review status: criteria provided, single submitter. Criteria: ACMG Guidelines, 2015. Collection method: clinical testing. Allele origin: germline.

GeneDx
Classification: Uncertain significance. Last evaluated: 2021-10-25. Review status: criteria provided, single submitter. Criteria: GeneDx Variant Classification Process June 2021. Collection method: clinical testing. Allele origin: germline. Affected: yes.
Comment: In-silico analysis is inconclusive as to whether the variant alters gene splicing. In the absence of RNA/functional studies, the actual effect of this sequence change is unknown.; Has not been previously published as pathogenic or benign to our knowledge